The following is an entry in ClinVar:

ClinVar aggregate classification (germline): Conflicting classifications of pathogenicity. Review status: criteria provided, conflicting classifications (1 of 4 stars). 3 submissions from 3 submitters: Uncertain significance (1); Likely benign (2). Last evaluated 2024-10-28.

Conditions:
Periodic fever-infantile enterocolitis-autoinflammatory syndrome. Also called: Autoinflammation with infantile enterocolitis. Identifiers: Orphanet 436166, MedGen C4015067, MONDO:0014472, OMIM 616050.
Familial cold autoinflammatory syndrome 4 (FCAS4). Identifiers: Orphanet 47045, Orphanet 576349, MedGen C4015276, MONDO:0014498, OMIM 616115.
Autoinflammatory syndrome. Identifiers: Orphanet 93665, MedGen C3890737, MONDO:0019751.

Allele frequency attached by ClinVar (database versions not stated): gnomAD exomes below 0.00001; ExAC 0.00001; gnomAD 0.00002; TOPMed 0.00002; 1000 Genomes Project 30x 0.00016; 1000 Genomes Project 0.00020.
gnomAD v4.1: 75 of 1,608,174 alleles (0.0047%); highest among the groups gnomAD compares: Non-Finnish European, 0.0062%; no homozygotes.

Submissions (3):

Labcorp Genetics (formerly Invitae), Labcorp
Classification: Likely benign for Periodic fever-infantile enterocolitis-autoinflammatory syndrome; Familial cold autoinflammatory syndrome 4. Last evaluated: 2024-10-28. Review status: criteria provided, single submitter. Criteria: Invitae Variant Classification Sherloc (09022015). Collection method: clinical testing. Allele origin: germline.

CeGaT Center for Human Genetics Tuebingen
Classification: Likely benign. Last evaluated: 2023-09-01. Review status: criteria provided, single submitter. Criteria: CeGaT Center For Human Genetics Tuebingen Variant Classification Criteria Version 2. Collection method: clinical testing. Allele origin: germline. Affected: yes. Observed: 1 variant allele.
Comment: NLRC4: BP4, BP7

Genome Diagnostics Laboratory, The Hospital for Sick Children
Classification: Uncertain significance for Autoinflammatory syndrome. Last evaluated: 2020-06-01. Review status: criteria provided, single submitter. Criteria: ACMG Guidelines, 2015. Collection method: clinical testing. Allele origin: germline. Affected: yes.

NM_001199138.2(NLRC4):c.249C>T (p.Asp83=)

Gene: NLRC4 (NLR family CARD domain containing 4; minus strand). Cytogenetic location: 2p22.3.
Variant type: single nucleotide variant.
Coding change: c.249C>T on transcript NM_001199138.2 (MANE Select); coding-DNA position 249, C replaced by T.
Protein change: p.Asp83=; no amino-acid change (aspartic acid 83 retained).
Molecular consequence: synonymous variant.
Genome position (GRCh38, 1-based): chr2:32,252,432, G>A on the plus strand (C>T on the coding strand, the complement: NLRC4 is on the minus strand). VCF-style: chr2-32252432-G-A. GRCh37 (hg19) VCF-style: chr2-32477501-G-A.
Other names: c.249C>T, p.Asp83= (NM_021209.5, NM_001199139.2, NM_001302504.2).
Identifiers: ClinVar variation 1116165 (VCV001116165.36), dbSNP rs117094017, ClinGen allele CA1602193.